The following is an entry in ClinVar:

ClinVar aggregate classification (germline): Uncertain significance. Review status: criteria provided, multiple submitters, no conflicts (2 of 4 stars). 2 submissions from 2 submitters: Uncertain significance (2). Last evaluated 2026-04-28.

Conditions:
Cardiovascular phenotype. Identifiers: MedGen CN230736.
Distal myopathy with posterior leg and anterior hand involvement. Also called: WILLIAMS DISTAL MYOPATHY. Identifiers: Orphanet 63273, MedGen C3279722, MONDO:0013550, OMIM 614065.
Myofibrillar myopathy 5. Also called: Filaminopathy (type); FILAMINOPATHY, AUTOSOMAL DOMINANT. Identifiers: Orphanet 171445, MedGen C1836050, MONDO:0012289, OMIM 609524.
Hypertrophic cardiomyopathy 26. Also called: Cardiomyopathy, familial hypertrophic, 26. Identifiers: Orphanet 75249, MedGen C4310749, MONDO:0014883, OMIM 617047.

Allele frequency attached by ClinVar (database versions not stated): TOPMed below 0.00001; gnomAD 0.00001.
gnomAD v4.1: 1 of 1,613,890 alleles (0.000062%); highest among the groups gnomAD compares: Admixed American, 0.0017%; no homozygotes.

Submissions (2):

Ambry Genetics
Classification: Uncertain significance for Cardiovascular phenotype. Last evaluated: 2026-04-28. Review status: criteria provided, single submitter. Criteria: Ambry Variant Classification Scheme 2023. Collection method: clinical testing. Allele origin: germline.

Labcorp Genetics (formerly Invitae), Labcorp
Classification: Uncertain significance for Distal myopathy with posterior leg and anterior hand involvement; Myofibrillar myopathy 5; Hypertrophic cardiomyopathy 26. Last evaluated: 2022-12-25. Review status: criteria provided, single submitter. Criteria: Invitae Variant Classification Sherloc (09022015). Collection method: clinical testing. Allele origin: germline.
Comment: This sequence change replaces aspartic acid, which is acidic and polar, with asparagine, which is neutral and polar, at codon 374 of the FLNC protein (p.Asp374Asn). This variant is not present in population databases (gnomAD no frequency). This variant has not been reported in the literature in individuals affected with FLNC-related conditions. Advanced modeling of protein sequence and biophysical properties (such as structural, functional, and spatial information, amino acid conservation, physicochemical variation, residue mobility, and thermodynamic stability) has been performed at Invitae for this missense variant, however the output from this modeling did not meet the statistical confidence thresholds required to predict the impact of this variant on FLNC protein function. In summary, the available evidence is currently insufficient to determine the role of this variant in disease. Therefore, it has been classified as a Variant of Uncertain Significance.

NM_001458.5(FLNC):c.1120G>A (p.Asp374Asn)

Gene: FLNC (filamin C; plus strand). Cytogenetic location: 7q32.1.
Variant type: single nucleotide variant.
Coding change: c.1120G>A on transcript NM_001458.5 (MANE Select); coding-DNA position 1120, G replaced by A.
Protein change: p.Asp374Asn; replaces aspartic acid 374 with asparagine.
Molecular consequence: missense variant.
Genome position (GRCh38, 1-based): chr7:128,838,339, G>A. VCF-style: chr7-128838339-G-A. GRCh37 (hg19) VCF-style: chr7-128478393-G-A.
Other names: c.1120G>A, p.Asp374Asn (NM_001127487.2); short protein forms D374N.
Identifiers: ClinVar variation 2936922 (VCV002936922.4), dbSNP rs1808186494, ClinGen allele CA369223743.